The following is an entry in ClinVar:

NM_003672.4(CDC14A):c.375del (p.Tyr126fs)

Gene: CDC14A (cell division cycle 14A; plus strand). Cytogenetic location: 1p21.2.
Variant type: Deletion.
Coding change: c.375del on transcript NM_003672.4 (MANE Select); coding-DNA position 375, one base deleted (C; older notation c.375delC).
Protein change: p.Tyr126fs; shifts the reading frame from tyrosine 126.
Molecular consequence: frameshift variant. On other transcripts: 5 prime UTR variant (1).
Genome position (GRCh38, 1-based): chr1:100,424,287, C deleted; the last of 7 consecutive C bases (chr1:100,424,281-100,424,287); deleting any one gives the same sequence. VCF-style (leftmost placement, unchanged base first): chr1-100424280-AC-A. GRCh37 (hg19) VCF-style: chr1-100889836-AC-A.
Other names: c.375del, p.Tyr126fs (NM_001319210.2, NM_033312.3, NM_033313.3); c.201del, p.Tyr68fs (NM_001319211.2); c.-417del (NM_001319212.2); short protein forms Y68fs, Y126fs.
Identifiers: ClinVar variation 2197194 (VCV002197194.4), dbSNP rs773911500, ClinGen allele CA970538.
Genomic context (GRCh38, chr1:100,424,280, plus strand): 5'-AGGTAATCTATTTAAAGAAGACACCAGAAGAAGCCTACAGAGCACTCCTGTCTGGCTCAA[AC>A]CCCCCCTATCTTCCATTCAGGTATAACTCCTGGTGAGACTTGGGTTAAACTTTTGCTACA-3'

ClinVar aggregate classification (germline): Pathogenic (1 of 4 stars; one submission).

Submission:

Labcorp Genetics (formerly Invitae), Labcorp
Classification: Pathogenic. Last evaluated: 2021-12-20. Review status: criteria provided, single submitter. Criteria: Invitae Variant Classification Sherloc (09022015). Collection method: clinical testing. Allele origin: germline.
Comment: This premature translational stop signal has been observed in individual(s) with deafness and in some cases male infertility (PMID: 29293958). It has also been observed to segregate with disease in related individuals. This variant is present in population databases (rs773911500, gnomAD 0.006%). This sequence change creates a premature translational stop signal (p.Tyr126Ilefs*64) in the CDC14A gene. It is expected to result in an absent or disrupted protein product. Loss-of-function variants in CDC14A are known to be pathogenic (PMID: 27259055). For these reasons, this variant has been classified as Pathogenic.

Literature cited by the submitters: PubMed 29293958; PubMed 27259055.